The following is an entry in ClinVar:

NM_002637.4(PHKA1):c.3068G>A (p.Ser1023Asn)

Gene: PHKA1 (phosphorylase kinase regulatory subunit alpha 1; minus strand). Cytogenetic location: Xq13.1.
Variant type: single nucleotide variant.
Coding change: c.3068G>A on transcript NM_002637.4 (MANE Select); coding-DNA position 3068, G replaced by A.
Protein change: p.Ser1023Asn; replaces serine 1023 with asparagine.
Molecular consequence: missense variant. On other transcripts: intron variant (2).
Genome position (GRCh38, 1-based): chrX:72,601,995, C>T on the plus strand (G>A on the coding strand, the complement: PHKA1 is on the minus strand). VCF-style: chrX-72601995-C-T. GRCh37 (hg19) VCF-style: chrX-71821845-C-T.
Other names: c.2856+163G>A (NM_001172436.2); c.3033+163G>A (NM_001122670.2); short protein forms S1023N.
Identifiers: ClinVar variation 576515 (VCV000576515.9), dbSNP rs782344973, ClinGen allele CA10450568.
Genomic context (GRCh38, chrX:72,601,995, plus strand): 5'-GTTATACAGAACTAAAGGTAAGTTAAACCATGTTAAATGATCCCTAGTTGTTTCACCTGA[C>T]TCTCAGCTGAGATTGACAGTCTACGAAATTCCACCTGAAACATAAATGGCTCAAATTAAA-3'
Protein context (NP_002628.2, residues 1013-1033): EFRRLSISAE[Ser1023Asn]QSPGTSMTPS

ClinVar aggregate classification (germline): Uncertain significance (1 of 4 stars; one submission).

Conditions:
Glycogen storage disease IXd (GSD9D). Also called: GSD IXd; Muscle Phosphorylase Kinase Deficiency. Identifiers: Orphanet 715, MedGen C1845151, MONDO:0010362, OMIM 300559.

Allele frequency attached by ClinVar (database versions not stated): gnomAD exomes 0.00001; ExAC 0.00002; gnomAD 0.00002 and 0.00095; TOPMed 0.00130.
gnomAD v4.1: 100 of 1,194,841 alleles (0.0084%); highest among the groups gnomAD compares: Non-Finnish European, 0.00023%; 4 homozygotes.

Submission:

Labcorp Genetics (formerly Invitae), Labcorp
Classification: Uncertain significance for Glycogen storage disease IXd. Last evaluated: 2024-05-26. Review status: criteria provided, single submitter. Criteria: Invitae Variant Classification Sherloc (09022015). Collection method: clinical testing. Allele origin: germline.
Comment: This sequence change replaces serine, which is neutral and polar, with asparagine, which is neutral and polar, at codon 1023 of the PHKA1 protein (p.Ser1023Asn). This variant is present in population databases (rs782344973, gnomAD 0.003%). This variant has not been reported in the literature in individuals affected with PHKA1-related conditions. ClinVar contains an entry for this variant (Variation ID: 576515). Algorithms developed to predict the effect of missense changes on protein structure and function output the following: SIFT: "Not Available"; PolyPhen-2: "Benign"; Align-GVGD: "Not Available". The asparagine amino acid residue is found in multiple mammalian species, which suggests that this missense change does not adversely affect protein function. In summary, the available evidence is currently insufficient to determine the role of this variant in disease. Therefore, it has been classified as a Variant of Uncertain Significance.